The following is an entry in ClinVar:

ClinVar aggregate classification (germline): Uncertain significance (1 of 4 stars; one submission).

Conditions:
DNA ligase IV deficiency. Identifiers: Orphanet 99812, MedGen C1847827, MONDO:0011686, OMIM 606593.

Allele frequency attached by ClinVar (database versions not stated): ExAC 0.00001; gnomAD 0.00001; TOPMed 0.00001.
gnomAD v4.1: 8 of 1,613,784 alleles (0.0005%); highest among the groups gnomAD compares: Admixed American, 0.0033%; no homozygotes.

Submission:

Labcorp Genetics (formerly Invitae), Labcorp
Classification: Uncertain significance for DNA ligase IV deficiency. Last evaluated: 2022-03-11. Review status: criteria provided, single submitter. Criteria: Invitae Variant Classification Sherloc (09022015). Collection method: clinical testing. Allele origin: germline.
Comment: This sequence change replaces aspartic acid, which is acidic and polar, with asparagine, which is neutral and polar, at codon 441 of the LIG4 protein (p.Asp441Asn). This variant is present in population databases (rs781701054, gnomAD 0.003%). This variant has not been reported in the literature in individuals affected with LIG4-related conditions. Algorithms developed to predict the effect of missense changes on protein structure and function (SIFT, PolyPhen-2, Align-GVGD) all suggest that this variant is likely to be tolerated. In summary, the available evidence is currently insufficient to determine the role of this variant in disease. Therefore, it has been classified as a Variant of Uncertain Significance.

NM_206937.2(LIG4):c.1321G>A (p.Asp441Asn)

Gene: LIG4 (DNA ligase 4; minus strand). Cytogenetic location: 13q33.3.
Variant type: single nucleotide variant.
Coding change: c.1321G>A on transcript NM_206937.2 (MANE Select); coding-DNA position 1321, G replaced by A.
Protein change: p.Asp441Asn; replaces aspartic acid 441 with asparagine.
Molecular consequence: missense variant.
Genome position (GRCh38, 1-based): chr13:108,209,948, C>T on the plus strand (G>A on the coding strand, the complement: LIG4 is on the minus strand). VCF-style: chr13-108209948-C-T. GRCh37 (hg19) VCF-style: chr13-108862296-C-T.
Other names: c.1321G>A, p.Asp441Asn (NM_001098268.2, NM_001352598.2, NM_001352599.2 and 6 more transcripts); c.1120G>A, p.Asp374Asn (NM_001330595.2); c.1357G>A, p.Asp453Asn (NM_001352604.2); short protein forms D374N, D441N, D453N.
Identifiers: ClinVar variation 2191253 (VCV002191253.1), dbSNP rs781701054, ClinGen allele CA7043710.